The following is an entry in ClinVar:

ClinVar aggregate classification (germline): Uncertain significance (1 of 4 stars; one submission).

gnomAD v4.1: 2 of 1,613,718 alleles (0.00012%); highest among the groups gnomAD compares: Non-Finnish European, 0.000085%; no homozygotes.

Submission:

Labcorp Genetics (formerly Invitae), Labcorp
Classification: Uncertain significance. Last evaluated: 2025-12-23. Review status: criteria provided, single submitter. Criteria: Invitae Variant Classification Sherloc (09022015). Collection method: clinical testing. Allele origin: germline.
Comment: This sequence change replaces leucine, which is neutral and non-polar, with phenylalanine, which is neutral and non-polar, at codon 339 of the MCM4 protein (p.Leu339Phe). This variant is not present in population databases (gnomAD no frequency). This variant has not been reported in the literature in individuals affected with MCM4-related conditions. Invitae Evidence Modeling of protein sequence and biophysical properties (such as structural, functional, and spatial information, amino acid conservation, physicochemical variation, residue mobility, and thermodynamic stability) indicates that this missense variant is not expected to disrupt MCM4 protein function with a negative predictive value of 80%. In summary, the available evidence is currently insufficient to determine the role of this variant in disease. Therefore, it has been classified as a Variant of Uncertain Significance.

NM_182746.3(MCM4):c.1015C>T (p.Leu339Phe)

Gene: MCM4 (minichromosome maintenance complex component 4; plus strand). Cytogenetic location: 8q11.21.
Variant type: single nucleotide variant.
Coding change: c.1015C>T on transcript NM_182746.3 (MANE Select); coding-DNA position 1015, C replaced by T.
Protein change: p.Leu339Phe; replaces leucine 339 with phenylalanine.
Molecular consequence: missense variant.
Genome position (GRCh38, 1-based): chr8:47,966,369, C>T. VCF-style: chr8-47966369-C-T. GRCh37 (hg19) VCF-style: chr8-48878929-C-T.
Other names: c.1015C>T, p.Leu339Phe (NM_005914.4); short protein forms L339F.
Identifiers: ClinVar variation 4700500 (VCV004700500.1).